The following is an entry in ClinVar:

ClinVar aggregate classification (germline): Conflicting classifications of pathogenicity. Review status: criteria provided, conflicting classifications (1 of 4 stars). 8 submissions from 8 submitters: Uncertain significance (5); Likely benign (1). 2 of the submissions do not count toward it. Last evaluated 2026-01-24.

Conditions:
Hereditary cancer-predisposing syndrome. Also called: Neoplastic Syndromes, Hereditary; Hereditary Cancer Syndrome; Tumor predisposition; Hereditary neoplastic syndrome. Identifiers: Orphanet 140162, MedGen C0027672, MeSH D009386, MONDO:0015356.
RECON progeroid syndrome (RECON). Identifiers: MedGen C5830504, MONDO:0957266, OMIM 620370.

Allele frequency attached by ClinVar (database versions not stated): 1000 Genomes Project 30x 0.00016; 1000 Genomes Project 0.00020; ESP Exome Variant Server 0.00054; gnomAD exomes 0.00068 and 0.00106; TOPMed 0.00077; gnomAD 0.00088; ExAC 0.00107.
gnomAD v4.1: 1,641 of 1,584,672 alleles (0.1%); highest among the groups gnomAD compares: Non-Finnish European, 0.13%; 1 homozygote.

Submissions (8):

Labcorp Genetics (formerly Invitae), Labcorp
Classification: Uncertain significance. Last evaluated: 2026-01-24. Review status: criteria provided, single submitter. Criteria: Invitae Variant Classification Sherloc (09022015). Collection method: clinical testing. Allele origin: germline.
Comment: This sequence change creates a premature translational stop signal (p.Ser620*) in the RECQL gene. While this is not anticipated to result in nonsense mediated decay, it is expected to disrupt the last 30 amino acid(s) of the RECQL protein. This variant is present in population databases (rs142038240, gnomAD 0.1%), and has an allele count higher than expected for a pathogenic variant. This premature translational stop signal has been observed in individual(s) with breast cancer (PMID: 30224651, 35264596). ClinVar contains an entry for this variant (Variation ID: 545993). Experimental studies and prediction algorithms are not available or were not evaluated, and the functional significance of this variant is currently unknown. In summary, the available evidence is currently insufficient to determine the role of this variant in disease. Therefore, it has been classified as a Variant of Uncertain Significance.

GeneDx
Classification: Uncertain significance. Last evaluated: 2025-08-07. Review status: criteria provided, single submitter. Criteria: GeneDx Variant Classification Process June 2021. Collection method: clinical testing. Allele origin: germline. Affected: yes.
Comment: Observed in 6/4,536 cases and 16/4,576 controls in a breast/ovarian cancer case-control study (PMID: 30224651); Observed in individuals with breast, prostate, and brain cancer (PMID: 33332384, 32338768, 35264596); Variants in candidate genes are classified as variants of uncertain significance in accordance with ACMG guidelines (PMID: 25741868); Nonsense variant predicted to result in protein truncation as the last 30 amino acid(s) are lost with an unclear effect on protein function; This variant is associated with the following publications: (PMID: 25915596, 30610487, 30224648, 32517021, 32338768, 33332384, 33804961, 35264596, 23396353, 27248010, 30224651)

Department of Pathology and Laboratory Medicine, Sinai Health System
Classification: Uncertain significance for RECON progeroid syndrome. Last evaluated: 2021-07-30. Review status: criteria provided, single submitter. Criteria: ACMG Guidelines, 2015. Collection method: research. Allele origin: germline.

Ambry Genetics
Classification: Likely benign. Last evaluated: 2020-08-04. Review status: criteria provided, single submitter. Criteria: Ambry Variant Classification Scheme 2023. Collection method: clinical testing. Allele origin: germline.

Mendelics
Classification: Uncertain significance for Hereditary cancer-predisposing syndrome. Last evaluated: 2018-07-02. Review status: criteria provided, single submitter. Criteria: Mendelics Assertion Criteria 2017. Collection method: clinical testing. Allele origin: unknown.

Breakthrough Genomics
Classification: Uncertain significance. Review status: criteria provided, single submitter. Criteria: ACMG Guidelines, 2015. Collection method: not provided. Allele origin: germline. Inheritance: Unknown mechanism. Affected: yes.

Clinical Genetics DNA and cytogenetics Diagnostics Lab, Erasmus MC, Erasmus Medical Center
Classification: Uncertain significance. Review status: no assertion criteria provided. Collection method: clinical testing. Allele origin: germline. Affected: yes. Study: VKGL Data-share Consensus. Not counted in ClinVar's aggregate classification.

Laboratory of Diagnostic Genome Analysis, Leiden University Medical Center (LUMC)
Classification: Uncertain significance. Review status: no assertion criteria provided. Collection method: clinical testing. Allele origin: germline. Affected: yes. Study: VKGL Data-share Consensus. Not counted in ClinVar's aggregate classification.

Literature cited by the submitters: PubMed 30224651 (cited by Labcorp Genetics (formerly Invitae), Labcorp); PubMed 35264596 (cited by Labcorp Genetics (formerly Invitae), Labcorp).

NM_002907.4(RECQL):c.1859C>G (p.Ser620Ter)

Genes: RECQL (RecQ like helicase; minus strand), PYROXD1 (pyridine nucleotide-disulphide oxidoreductase domain 1; plus strand). Cytogenetic location: 12p12.1.
Variant type: single nucleotide variant.
Coding change: c.1859C>G on transcript NM_002907.4 (MANE Select); coding-DNA position 1859, C replaced by G.
Protein change: p.Ser620Ter; replaces serine 620 with a stop codon.
Molecular consequence: nonsense. On other transcripts: 3 prime UTR variant (3).
Genome position (GRCh38, 1-based): chr12:21,470,285, G>C on the plus strand (C>G on the coding strand, the complement: RECQL is on the minus strand). VCF-style: chr12-21470285-G-C. GRCh37 (hg19) VCF-style: chr12-21623219-G-C.
Other names: c.1859C>G, p.Ser620Ter (NM_032941.3); c.*1531G>C (NM_001350912.2, NM_001350913.2, NM_024854.5); short protein forms S620*.
Identifiers: ClinVar variation 545993 (VCV000545993.24), dbSNP rs142038240, ClinGen allele CA6478598.